The following is an entry in ClinVar:

NM_007194.4(CHEK2):c.1009-7T>G

Gene: CHEK2 (checkpoint kinase 2; minus strand). Cytogenetic location: 22q12.1.
Variant type: single nucleotide variant.
Coding change: c.1009-7T>G on transcript NM_007194.4 (MANE Select); 7 bases into the intron before coding-DNA position 1009, T replaced by G.
Molecular consequence: intron variant.
Genome position (GRCh38, 1-based): chr22:28,696,994, A>C on the plus strand (T>G on the coding strand, the complement: CHEK2 is on the minus strand). VCF-style: chr22-28696994-A-C. GRCh37 (hg19) VCF-style: chr22-29092982-A-C.
Other names: c.346-7T>G (NM_001437942.1, NM_001257387.3); c.808-7T>G (NM_001349956.3); c.1009-1121T>G (NM_145862.3); c.1102-1121T>G (NM_001438295.1); c.1102-7T>G (NM_001438293.1); c.1138-1121T>G (NM_001438294.1); c.1138-7T>G (NM_001005735.3).
Identifiers: ClinVar variation 631439 (VCV000631439.20), dbSNP rs763174055, ClinGen allele CA10167747.

ClinVar aggregate classification (germline): Conflicting classifications of pathogenicity. Review status: criteria provided, conflicting classifications (1 of 4 stars). 7 submissions from 7 submitters: Likely pathogenic (2); Uncertain significance (5). Last evaluated 2026-03-27.

Conditions:
Hereditary cancer-predisposing syndrome. Also called: Hereditary neoplastic syndrome; Tumor predisposition; Hereditary Cancer Syndrome; Neoplastic Syndromes, Hereditary. Identifiers: Orphanet 140162, MedGen C0027672, MeSH D009386, MONDO:0015356.
Familial cancer of breast. Also called: hereditary breast carcinoma; BREAST CANCER, FAMILIAL; Hereditary breast cancer. Identifiers: Orphanet 227535, MedGen C0346153, MONDO:0016419, OMIM 114480. Disease mechanism: loss of function.

Allele frequency attached by ClinVar (database versions not stated): gnomAD exomes below 0.00001 and 0.00001; TOPMed below 0.00001; gnomAD 0.00001; ExAC 0.00001.
gnomAD v4.1: 5 of 1,592,440 alleles (0.00031%); highest among the groups gnomAD compares: East Asian, 0.0067%; no homozygotes.

Submissions (7):

Myriad Genetics, Inc.
Classification: Likely pathogenic for Familial cancer of breast. Last evaluated: 2026-03-27. Review status: criteria provided, single submitter. Criteria: Myriad Autosomal Dominant, Autosomal Recessive and X-Linked Classification Criteria (2023). Collection method: clinical testing. Allele origin: unknown.
Comment: This variant is considered likely pathogenic. mRNA analysis has demonstrated abnormal mRNA splicing occurs [Myriad internal data].

Labcorp Genetics (formerly Invitae), Labcorp
Classification: Uncertain significance for Familial cancer of breast. Last evaluated: 2026-01-29. Review status: criteria provided, single submitter. Criteria: Invitae Variant Classification Sherloc (09022015). Collection method: clinical testing. Allele origin: germline.
Comment: This sequence change falls in intron 9 of the CHEK2 gene. It does not directly change the encoded amino acid sequence of the CHEK2 protein. This variant is present in population databases (rs763174055, gnomAD 0.006%). This variant has not been reported in the literature in individuals affected with CHEK2-related conditions. ClinVar contains an entry for this variant (Variation ID: 631439). Studies have shown that this variant is associated with altered splicing resulting in multiple RNA products including in-frame and out-of-frame effects (internal data). In summary, the available evidence is currently insufficient to determine the role of this variant in disease. Therefore, it has been classified as a Variant of Uncertain Significance.

Ambry Genetics
Classification: Likely pathogenic for Hereditary cancer-predisposing syndrome. Last evaluated: 2025-11-03. Review status: criteria provided, single submitter. Criteria: Ambry Variant Classification Scheme 2023. Collection method: clinical testing. Allele origin: germline.
Comment: The c.1009-7T>G intronic variant results from a T to G substitution 7 nucleotides upstream from coding exon 9 in the CHEK2 gene. This nucleotide position is well conserved in available vertebrate species. In silico splice site analysis predicts that this alteration may weaken the native splice acceptor site. RNA studies have demonstrated that this alteration results in abnormal splicing in the set of samples tested (Ambry internal data; Na, R et al. Ann Lab Med 2022 May;42(3):380-383). Based on the majority of available evidence to date, this variant is likely to be pathogenic.

Center for Genomic Medicine, Rigshospitalet, Copenhagen University Hospital
Classification: Uncertain significance. Last evaluated: 2025-03-04. Review status: criteria provided, single submitter. Criteria: ACMG Guidelines, 2015. Collection method: clinical testing. Allele origin: germline.

Baylor Genetics
Classification: Uncertain significance for Familial cancer of breast. Last evaluated: 2023-08-29. Review status: criteria provided, single submitter. Criteria: ACMG Guidelines, 2015. Collection method: clinical testing. Allele origin: unknown.

Color Diagnostics, LLC DBA Color Health
Classification: Uncertain significance for Hereditary cancer-predisposing syndrome. Last evaluated: 2023-04-24. Review status: criteria provided, single submitter. Criteria: ACMG Guidelines, 2015. Collection method: clinical testing. Allele origin: germline.
Comment: This variant causes a T to G nucleotide substitution at the -7 position of intron 9 of the CHEK2 gene. This variant has been reported in an individual affected with prostate cancer (PMID: 34907112). RNA derived from this individual showed in-frame skipping of exon 10 (PMID: 34907112). This variant has been identified in 2/250954 chromosomes in the general population by the Genome Aggregation Database (gnomAD). The available evidence is insufficient to determine the role of this variant in disease conclusively. Therefore, this variant is classified as a Variant of Uncertain Significance.

Mayo Clinic Laboratories, Mayo Clinic
Classification: Uncertain significance. Last evaluated: 2022-09-14. Review status: criteria provided, single submitter. Criteria: ACMG Guidelines, 2015. Collection method: clinical testing. Allele origin: germline. Observed: 1 variant allele.
Comment: PM2, PM4

Literature cited by the submitters: PubMed 34907112 (cited by 4 submitters).